The following is an entry in ClinVar:

NM_003060.4(SLC22A5):c.1341C>T (p.Tyr447=)

Gene: SLC22A5 (solute carrier family 22 member 5; plus strand). Cytogenetic location: 5q31.1.
Variant type: single nucleotide variant.
Coding change: c.1341C>T on transcript NM_003060.4 (MANE Select); coding-DNA position 1341, C replaced by T.
Protein change: p.Tyr447=; no amino-acid change (tyrosine 447 retained).
Molecular consequence: synonymous variant.
Genome position (GRCh38, 1-based): chr5:132,392,506, C>T. VCF-style: chr5-132392506-C-T. GRCh37 (hg19) VCF-style: chr5-131728198-C-T.
Other names: p.Tyr447=; c.1413C>T, p.Tyr471= (NM_001308122.2).
Identifiers: ClinVar variation 460396 (VCV000460396.23), dbSNP rs58188318, ClinGen allele CA3404138.
Genomic context (GRCh38, chr5:132,392,506, plus strand): 5'-GGCTACAGTCCTGGTGATGGTGGGCAAGTTTGGAGTCACGGCTGCCTTTTCCATGGTCTA[C>T]GTGTACACAGCCGAGCTGTATCCCACAGTGGTGAGAAACATGGGTGTGGGAGTCAGCTCC-3'
Protein context (NP_003051.1, residues 437-457): FGVTAAFSMV[Tyr447=]VYTAELYPTV

ClinVar aggregate classification (germline): Likely benign. Review status: criteria provided, multiple submitters, no conflicts (2 of 4 stars). 5 submissions from 5 submitters: Likely benign (5). Last evaluated 2026-01-31.

Conditions:
Renal carnitine transport defect (CDSP). Also called: Primary carnitine deficiency; Systemic primary carnitine deficiency disease; Systemic primary carnitine deficiency; CARNITINE DEFICIENCY, SYSTEMIC, DUE TO DEFECT IN RENAL REABSORPTION OF CARNITINE; CARNITINE TRANSPORTER, PLASMA-MEMBRANE, DEFICIENCY OF; CARNITINE UPTAKE DEFECT. Identifiers: Orphanet 158, MedGen C0342788, MONDO:0008919, OMIM 212140.

Allele frequency attached by ClinVar (database versions not stated): ExAC 0.00014; gnomAD exomes 0.00016; 1000 Genomes Project 0.00040; 1000 Genomes Project 30x 0.00047; gnomAD 0.00049 and 0.00052; TOPMed 0.00052; ESP Exome Variant Server 0.00077.
gnomAD v4.1: 172 of 1,614,132 alleles (0.011%); highest among the groups gnomAD compares: African/African-American, 0.18%; 1 homozygote.

Submissions (5):

Labcorp Genetics (formerly Invitae), Labcorp
Classification: Likely benign for Renal carnitine transport defect. Last evaluated: 2026-01-31. Review status: criteria provided, single submitter. Criteria: Invitae Variant Classification Sherloc (09022015). Collection method: clinical testing. Allele origin: germline.

Mayo Clinic Laboratories, Mayo Clinic
Classification: Likely benign. Last evaluated: 2025-12-14. Review status: criteria provided, single submitter. Criteria: ACMG Guidelines, 2015. Collection method: clinical testing. Allele origin: germline. Observed: 2 variant alleles.
Comment: BP4, BP7

CeGaT Center for Human Genetics Tuebingen
Classification: Likely benign. Last evaluated: 2025-04-01. Review status: criteria provided, single submitter. Criteria: CeGaT Center For Human Genetics Tuebingen Variant Classification Criteria Version 2. Collection method: clinical testing. Allele origin: germline. Affected: yes. Observed: 1 variant allele.
Comment: SLC22A5: BP4, BP7

Blueprint Genetics
Classification: Likely benign. Last evaluated: 2024-09-30. Review status: criteria provided, single submitter. Criteria: ACMG Guidelines, 2015. Collection method: clinical testing. Allele origin: germline.

GeneDx
Classification: Likely benign. Last evaluated: 2019-07-09. Review status: criteria provided, single submitter. Criteria: GeneDx Variant Classification Process June 2021. Collection method: clinical testing. Allele origin: germline. Affected: yes.